The following is an entry in ClinVar:

NM_005085.4(NUP214):c.683T>C (p.Val228Ala)

Gene: NUP214 (nucleoporin 214; plus strand). Cytogenetic location: 9q34.13.
Variant type: single nucleotide variant.
Coding change: c.683T>C on transcript NM_005085.4 (MANE Select); coding-DNA position 683, T replaced by C.
Protein change: p.Val228Ala; replaces valine 228 with alanine.
Molecular consequence: missense variant.
Genome position (GRCh38, 1-based): chr9:131,132,615, T>C. VCF-style: chr9-131132615-T-C. GRCh37 (hg19) VCF-style: chr9-134008002-T-C.
Other names: c.683T>C, p.Val228Ala (NM_001318324.2); c.683T>C (NM_005085.2); short protein forms V228A.
Identifiers: ClinVar variation 2446105 (VCV002446105.2), dbSNP rs201552770, ClinGen allele CA5288750.

ClinVar aggregate classification (germline): Uncertain significance. Review status: criteria provided, multiple submitters, no conflicts (2 of 4 stars). 2 submissions from 2 submitters: Uncertain significance (2). Last evaluated 2025-02-12.

Allele frequency attached by ClinVar (database versions not stated): TOPMed 0.00001; gnomAD 0.00003; gnomAD exomes 0.00004; ExAC 0.00006; 1000 Genomes Project 30x 0.00016; 1000 Genomes Project 0.00020.
gnomAD v4.1: 57 of 1,614,150 alleles (0.0035%); highest among the groups gnomAD compares: South Asian, 0.061%; no homozygotes.

Submissions (2):

Ambry Genetics
Classification: Uncertain significance. Last evaluated: 2025-02-12. Review status: criteria provided, single submitter. Criteria: Ambry Variant Classification Scheme 2023. Collection method: clinical testing. Allele origin: germline.

GeneDx
Classification: Uncertain significance. Last evaluated: 2022-09-21. Review status: criteria provided, single submitter. Criteria: GeneDx Variant Classification Process June 2021. Collection method: clinical testing. Allele origin: germline. Affected: yes.
Comment: In silico analysis supports that this missense variant does not alter protein structure/function; Has not been previously published as pathogenic or benign to our knowledge